The following is an entry in ClinVar:

NM_005740.3(DNAL4):c.279C>T (p.Phe93=)

Gene: DNAL4 (dynein axonemal light chain 4; minus strand). Cytogenetic location: 22q13.1.
Variant type: single nucleotide variant.
Coding change: c.279C>T on transcript NM_005740.3 (MANE Select); coding-DNA position 279, C replaced by T.
Protein change: p.Phe93=; no amino-acid change (phenylalanine 93 retained).
Molecular consequence: synonymous variant.
Genome position (GRCh38, 1-based): chr22:38,779,488, G>A on the plus strand (C>T on the coding strand, the complement: DNAL4 is on the minus strand). VCF-style: chr22-38779488-G-A. GRCh37 (hg19) VCF-style: chr22-39175493-G-A.
Identifiers: ClinVar variation 3046532 (VCV003046532.2), dbSNP rs1448408794, ClinGen allele CA514573626.

ClinVar aggregate classification (germline): Likely benign (0 of 4 stars; one submission).

Conditions:
DNAL4-related disorder. Also called: DNAL4-related condition.

Allele frequency attached by ClinVar (database versions not stated): gnomAD exomes 0.00001; gnomAD 0.00003; TOPMed 0.00003.
gnomAD v4.1: 14 of 1,580,772 alleles (0.00089%); highest among the groups gnomAD compares: Admixed American, 0.0018%; no homozygotes.

Submission:

PreventionGenetics, part of Exact Sciences
Classification: Likely benign for DNAL4-related condition. Last evaluated: 2019-02-27. Review status: no assertion criteria provided. Collection method: clinical testing. Allele origin: germline.
Comment: This variant is classified as likely benign based on ACMG/AMP sequence variant interpretation guidelines (Richards et al. 2015 PMID: 25741868, with internal and published modifications).